The following is an entry in ClinVar:

NM_000271.5(NPC1):c.387_388inv (p.Val130Ile)

Gene: NPC1 (NPC intracellular cholesterol transporter 1; minus strand). Cytogenetic location: 18q11.2.
Variant type: Inversion.
Coding change: c.387_388inv on transcript NM_000271.5 (MANE Select).
Protein change: p.Val130Ile; replaces valine 130 with isoleucine.
Molecular consequence: missense variant.
Genome position: GRCh38 VCF-style: chr18-23568898-CA-TG. GRCh37 (hg19) VCF-style: chr18-21148862-CA-TG.
Other names: short protein forms V130I.
Identifiers: ClinVar variation 1430413 (VCV001430413.4), ClinGen allele CA2573155243.
Genomic context (GRCh38, chr18:23,568,898, plus strand): 5'-GTCCGACGTAGTATTGTAACTCTTTCACATTTGTTTTCGTCTGGTTTGTAACAGGATCAA[CA>TG]TAATCTTCAGTAGCTGTAACATTCAAAAACTGACTCTGTCGAGGGCTACATGTCAGCTCA-3'
Protein context (NP_000262.2, residues 120-140): FLNVTATEDY[Val130Ile]DPVTNQTKTN

ClinVar aggregate classification (germline): Uncertain significance (1 of 4 stars; one submission).

Conditions:
Niemann-Pick disease, type C1. Also called: NIEMANN-PICK DISEASE, VARIANT TYPE C1; NEUROVISCERAL STORAGE DISEASE WITH VERTICAL SUPRANUCLEAR OPHTHALMOPLEGIA; NIEMANN-PICK DISEASE WITH CHOLESTEROL ESTERIFICATION BLOCK; NIEMANN-PICK DISEASE WITHOUT SPHINGOMYELINASE DEFICIENCY; NIEMANN-PICK DISEASE, CHRONIC NEURONOPATHIC FORM. Identifiers: Orphanet 646, MedGen C3179455, MONDO:0009757, OMIM 257220.

Submission:

Labcorp Genetics (formerly Invitae), Labcorp
Classification: Uncertain significance for Niemann-Pick disease, type C1. Last evaluated: 2024-10-06. Review status: criteria provided, single submitter. Criteria: Invitae Variant Classification Sherloc (09022015). Collection method: clinical testing. Allele origin: germline.
Comment: This sequence change replaces valine, which is neutral and non-polar, with isoleucine, which is neutral and non-polar, at codon 130 of the NPC1 protein (p.Val130Ile). Information on the frequency of this variant in the gnomAD database is not available, as this variant may be reported differently in the database. This variant has not been reported in the literature in individuals affected with NPC1-related conditions. ClinVar contains an entry for this variant (Variation ID: 1430413). Experimental studies and prediction algorithms are not available or were not evaluated, and the functional significance of this variant is currently unknown. In summary, the available evidence is currently insufficient to determine the role of this variant in disease. Therefore, it has been classified as a Variant of Uncertain Significance.